The following is an entry in ClinVar:

ClinVar aggregate classification (germline): Pathogenic (1 of 4 stars; one submission).

Submission:

Labcorp Genetics (formerly Invitae), Labcorp
Classification: Pathogenic. Last evaluated: 2022-06-09. Review status: criteria provided, single submitter. Criteria: Invitae Variant Classification Sherloc (09022015). Collection method: clinical testing. Allele origin: germline.
Comment: For these reasons, this variant has been classified as Pathogenic. This variant has not been reported in the literature in individuals affected with CHD8-related conditions. This variant is not present in population databases (gnomAD no frequency). This sequence change creates a premature translational stop signal (p.Leu321Trpfs*4) in the CHD8 gene. It is expected to result in an absent or disrupted protein product. Loss-of-function variants in CHD8 are known to be pathogenic (PMID: 24998929, 26789910).

Literature cited by the submitters: PubMed 24998929; PubMed 26789910.

NM_001170629.2(CHD8):c.961del (p.Leu321fs)

Gene: CHD8 (chromodomain helicase DNA binding protein 8; minus strand). Cytogenetic location: 14q11.2.
Variant type: Deletion.
Coding change: c.961del on transcript NM_001170629.2 (MANE Select); coding-DNA position 961, one base deleted (C; older notation c.961delC).
Protein change: p.Leu321fs; shifts the reading frame from leucine 321.
Molecular consequence: frameshift variant.
Genome position (GRCh38, 1-based): chr14:21,429,218, G deleted on the plus strand (C on the coding strand, the reverse complement: CHD8 is on the minus strand). VCF-style (leftmost placement, unchanged base first): chr14-21429217-AG-A. GRCh37 (hg19) VCF-style: chr14-21897376-AG-A.
Other names: c.124del, p.Leu42fs (NM_020920.4); short protein forms L321fs, L42fs.
Identifiers: ClinVar variation 2004103 (VCV002004103.4), dbSNP rs2502007325, ClinGen allele CA2580087821.